The following is an entry in ClinVar:

ClinVar aggregate classification (germline): Benign. Review status: criteria provided, multiple submitters, no conflicts (2 of 4 stars). 3 submissions from 3 submitters: Benign (2). 1 of the submissions does not count toward it. Last evaluated 2025-12-01.

Conditions:
TRAPPC12-related disorder. Also called: TRAPPC12-related condition.

Allele frequency attached by ClinVar (database versions not stated): TOPMed 0.00009; gnomAD exomes 0.00074; ExAC 0.00156; 1000 Genomes Project 30x 0.00265; 1000 Genomes Project 0.00300.
gnomAD v4.1: 1,125 of 1,613,816 alleles (0.07%); highest among the groups gnomAD compares: South Asian, 1.2%; 17 homozygotes.

Submissions (3):

Labcorp Genetics (formerly Invitae), Labcorp
Classification: Benign. Last evaluated: 2025-12-01. Review status: criteria provided, single submitter. Criteria: Invitae Variant Classification Sherloc (09022015). Collection method: clinical testing. Allele origin: germline.

CeGaT Center for Human Genetics Tuebingen
Classification: Benign. Last evaluated: 2024-03-01. Review status: criteria provided, single submitter. Criteria: CeGaT Center For Human Genetics Tuebingen Variant Classification Criteria Version 2. Collection method: clinical testing. Allele origin: germline. Affected: yes. Observed: 1 variant allele.
Comment: TRAPPC12: BP4, BP7, BS1, BS2

PreventionGenetics, part of Exact Sciences
Classification: Benign for TRAPPC12-related condition. Last evaluated: 2019-05-20. Review status: no assertion criteria provided. Collection method: clinical testing. Allele origin: germline. Not counted in ClinVar's aggregate classification.
Comment: This variant is classified as benign based on ACMG/AMP sequence variant interpretation guidelines (Richards et al. 2015 PMID: 25741868, with internal and published modifications).

NM_016030.6(TRAPPC12):c.1383C>T (p.Tyr461=)

Gene: TRAPPC12 (trafficking protein particle complex subunit 12; plus strand). Cytogenetic location: 2p25.3.
Variant type: single nucleotide variant.
Coding change: c.1383C>T on transcript NM_016030.6 (MANE Select); coding-DNA position 1383, C replaced by T.
Protein change: p.Tyr461=; no amino-acid change (tyrosine 461 retained).
Molecular consequence: synonymous variant.
Genome position (GRCh38, 1-based): chr2:3,424,629, C>T. VCF-style: chr2-3424629-C-T. GRCh37 (hg19) VCF-style: chr2-3428400-C-T.
Other names: c.1383C>T (NM_016030.5); c.1383C>T, p.Tyr461= (NM_001321102.2).
Identifiers: ClinVar variation 2747984 (VCV002747984.25), dbSNP rs200203888, ClinGen allele CA1515401.
Genomic context (GRCh38, chr2:3,424,629, plus strand): 5'-CCAGAATGCTGAGATGGAATTTGAACCCTTCGGAAATCTTGATCAGCCAGATCTTTATTA[C>T]GAGTACTACCCGCACGTGTACCCTGGGCGCAGGGGTAAGGCCATGGTATTTAATATTTGT-3'
Protein context (NP_057114.5, residues 451-471): FGNLDQPDLY[Tyr461=]EYYPHVYPGR